The following is an entry in ClinVar:

NM_004628.5(XPC):c.409dup (p.Glu137fs)

Gene: XPC (XPC complex subunit, DNA damage recognition and repair factor; minus strand). Cytogenetic location: 3p25.1.
Variant type: Duplication.
Coding change: c.409dup on transcript NM_004628.5 (MANE Select); coding-DNA position 409, one base duplicated (G; older notation c.409dupG).
Protein change: p.Glu137fs; shifts the reading frame from glutamic acid 137.
Molecular consequence: frameshift variant. On other transcripts: non-coding transcript variant (2), 5 prime UTR variant (1).
Genome position (GRCh38, 1-based): chr3:14,170,441, C duplicated on the plus strand (G on the coding strand, the reverse complement: XPC is on the minus strand). VCF-style (leftmost placement, unchanged base first): chr3-14170440-T-TC. GRCh37 (hg19) VCF-style: chr3-14211940-T-TC.
Other names: c.-47dup (NM_001354726.2); c.409dup, p.Glu137fs (NM_001354727.2, NM_001354730.2); c.391dup, p.Glu131fs (NM_001354729.2); c.409dupG (NM_004628.4); short protein forms E131fs, E137fs.
Identifiers: ClinVar variation 557268 (VCV000557268.5), dbSNP rs1208223013, ClinGen allele CA541302005.

ClinVar aggregate classification (germline): Pathogenic. Review status: criteria provided, single submitter (1 of 4 stars). 2 submissions from 2 submitters: Pathogenic (1). 1 of the submissions does not count toward it. Last evaluated 2023-04-12.

Conditions:
Xeroderma pigmentosum, group C (XPC). Also called: XPC-Related Xeroderma Pigmentosum; Xeroderma pigmentosum, complementation group C; XERODERMA PIGMENTOSUM III; XP, GROUP C. Identifiers: Orphanet 910, MedGen C2752147, MONDO:0010211, OMIM 278720.

Allele frequency attached by ClinVar (database versions not stated): gnomAD exomes below 0.00001.

Submissions (2):

Labcorp Genetics (formerly Invitae), Labcorp
Classification: Pathogenic. Last evaluated: 2023-04-12. Review status: criteria provided, single submitter. Criteria: Invitae Variant Classification Sherloc (09022015). Collection method: clinical testing. Allele origin: germline.
Comment: This sequence change creates a premature translational stop signal (p.Glu137Glyfs*4) in the XPC gene. It is expected to result in an absent or disrupted protein product. Loss-of-function variants in XPC are known to be pathogenic (PMID: 23173980, 25256075). This variant is present in population databases (no rsID available, gnomAD 0.007%). This variant has not been reported in the literature in individuals affected with XPC-related conditions. ClinVar contains an entry for this variant (Variation ID: 557268). Algorithms developed to predict the effect of sequence changes on RNA splicing suggest that this variant may create or strengthen a splice site. For these reasons, this variant has been classified as Pathogenic.

Counsyl
Classification: Likely pathogenic for Xeroderma pigmentosum, group C. Last evaluated: 2018-03-19. Review status: no assertion criteria provided. Collection method: clinical testing. Allele origin: unknown. Not counted in ClinVar's aggregate classification.

Literature cited by the submitters: PubMed 23173980 (cited by Labcorp Genetics (formerly Invitae), Labcorp); PubMed 25256075 (cited by Labcorp Genetics (formerly Invitae), Labcorp).